The following is an entry in ClinVar:

NM_001008216.2(GALE):c.1A>G (p.Met1Val)

Gene: GALE (UDP-galactose-4-epimerase; minus strand). Cytogenetic location: 1p36.11.
Variant type: single nucleotide variant.
Coding change: c.1A>G on transcript NM_001008216.2 (MANE Select); coding-DNA position 1, A replaced by G.
Protein change: p.Met1Val; changes the start codon (methionine 1).
Molecular consequence: missense variant, initiator codon variant.
Genome position (GRCh38, 1-based): chr1:23,799,007, T>C on the plus strand (A>G on the coding strand, the complement: GALE is on the minus strand). VCF-style: chr1-23799007-T-C. GRCh37 (hg19) VCF-style: chr1-24125497-T-C.
Other names: c.1A>G, p.Met1Val (NM_000403.4, NM_001127621.2); short protein forms M1V.
Identifiers: ClinVar variation 2866226 (VCV002866226.3), dbSNP rs2521326203, ClinGen allele CA339016621.

ClinVar aggregate classification (germline): Pathogenic (1 of 4 stars; one submission).

Conditions:
UDPglucose-4-epimerase deficiency. Also called: UDPglucose 4-Epimerase Deficiency Disease; Epimerase Deficiency Galactosemia; GALACTOSEMIA III; GALE DEFICIENCY; UDP-GALACTOSE-4-EPIMERASE DEFICIENCY; Galactose epimerase deficiency. Identifiers: Orphanet 352, Orphanet 79238, MedGen C0751161, MONDO:0009257, OMIM 230350.

Submission:

Labcorp Genetics (formerly Invitae), Labcorp
Classification: Pathogenic for UDPglucose-4-epimerase deficiency. Last evaluated: 2023-09-29. Review status: criteria provided, single submitter. Criteria: Invitae Variant Classification Sherloc (09022015). Collection method: clinical testing. Allele origin: germline.
Comment: This sequence change affects the initiator methionine of the GALE mRNA. The next in-frame methionine is located at codon 65. This variant is not present in population databases (gnomAD no frequency). This variant has not been reported in the literature in individuals affected with GALE-related conditions. This variant disrupts a region of the GALE protein in which other variant(s) (p.Arg51Trp) have been determined to be pathogenic (PMID: 30247636, 33510604). This suggests that this is a clinically significant region of the protein, and that variants that disrupt it are likely to be disease-causing. For these reasons, this variant has been classified as Pathogenic.

Literature cited by the submitters: PubMed 30247636; PubMed 33510604.